The following is an entry in ClinVar:

ClinVar aggregate classification (germline): Uncertain significance (1 of 4 stars; one submission).

Conditions:
Hereditary hemorrhagic telangiectasia (HHT). Also called: ORW DISEASE; Osler Weber Rendu syndrome; OSLER-RENDU-WEBER DISEASE; Osler hemorrhagic telangiectasia syndrome. Identifiers: Orphanet 774, MedGen C0039445, MONDO:0019180. Disease mechanism: loss of function.

Submission:

Labcorp Genetics (formerly Invitae), Labcorp
Classification: Uncertain significance for Hereditary hemorrhagic telangiectasia. Last evaluated: 2022-08-27. Review status: criteria provided, single submitter. Criteria: Invitae Variant Classification Sherloc (09022015). Collection method: clinical testing. Allele origin: germline.
Comment: This variant occurs in a non-coding region of the ENG gene. It does not change the encoded amino acid sequence of the ENG protein. This variant is present in population databases (no rsID available, gnomAD 0.03%). This variant has not been reported in the literature in individuals affected with ENG-related conditions. Experimental studies and prediction algorithms are not available or were not evaluated, and the functional significance of this variant is currently unknown. In summary, the available evidence is currently insufficient to determine the role of this variant in disease. Therefore, it has been classified as a Variant of Uncertain Significance.

NM_001114753.3(ENG):c.-133C>T

Gene: ENG (endoglin; minus strand). Cytogenetic location: 9q34.11.
Variant type: single nucleotide variant.
Coding change: c.-133C>T on transcript NM_001114753.3 (MANE Select); 133 bases upstream of the start codon, C replaced by T.
Molecular consequence: 5 prime UTR variant.
Genome position (GRCh38, 1-based): chr9:127,854,488, G>A on the plus strand (C>T on the coding strand, the complement: ENG is on the minus strand). VCF-style: chr9-127854488-G-A. GRCh37 (hg19) VCF-style: chr9-130616767-G-A.
Other names: c.-133C>T (NM_000118.4, NM_001406715.1).
Identifiers: ClinVar variation 2159769 (VCV002159769.4), dbSNP rs1451660385, ClinGen allele CA590606794.
Genomic context (GRCh38, chr9:127,854,488, plus strand): 5'-GCCGGCGTGGGCTCGCACGGGGACCCGAGGGGAGCAGGCGGCCGGAGCGACGGCGTCCCT[G>A]CTCCAGCCTTCTGGGGTGGCGGCCGAGGGGTCAGGAGAAGTGGACACAGGGACGCGGGGC-3'